The following is an entry in ClinVar:

ClinVar aggregate classification (germline): Uncertain significance (1 of 4 stars; one submission).

gnomAD v4.1: 2 of 1,611,252 alleles (0.00012%); highest among the groups gnomAD compares: East Asian, 0.0022%; no homozygotes.

Submission:

GeneDx
Classification: Uncertain significance. Last evaluated: 2024-01-02. Review status: criteria provided, single submitter. Criteria: GeneDx Variant Classification Process June 2021. Collection method: clinical testing. Allele origin: germline. Affected: yes.
Comment: In silico analysis supports that this missense variant does not alter protein structure/function; Has not been previously published as pathogenic or benign to our knowledge

NM_004700.4(KCNQ4):c.1369G>A (p.Ala457Thr)

Gene: KCNQ4 (potassium voltage-gated channel subfamily Q member 4; plus strand). Cytogenetic location: 1p34.2.
Variant type: single nucleotide variant.
Coding change: c.1369G>A on transcript NM_004700.4 (MANE Select); coding-DNA position 1369, G replaced by A.
Protein change: p.Ala457Thr; replaces alanine 457 with threonine.
Molecular consequence: missense variant.
Genome position (GRCh38, 1-based): chr1:40,831,160, G>A. VCF-style: chr1-40831160-G-A. GRCh37 (hg19) VCF-style: chr1-41296832-G-A.
Other names: c.1207G>A, p.Ala403Thr (NM_172163.3); short protein forms A403T, A457T.
Identifiers: ClinVar variation 3370080 (VCV003370080.1).